The following is an entry in ClinVar:

NM_000535.7(PMS2):c.1397G>A (p.Gly466Asp)

Gene: PMS2 (PMS1 homolog 2, mismatch repair system component; minus strand). Cytogenetic location: 7p22.1.
Variant type: single nucleotide variant.
Coding change: c.1397G>A on transcript NM_000535.7 (MANE Select); coding-DNA position 1397, G replaced by A.
Protein change: p.Gly466Asp; replaces glycine 466 with aspartic acid.
Molecular consequence: missense variant. On other transcripts: non-coding transcript variant (1).
Genome position (GRCh38, 1-based): chr7:5,987,368, C>T on the plus strand (G>A on the coding strand, the complement: PMS2 is on the minus strand). VCF-style: chr7-5987368-C-T. GRCh37 (hg19) VCF-style: chr7-6026999-C-T.
Other names: c.992G>A, p.Gly331Asp (NM_001322003.2, NM_001322004.2, NM_001322005.2 and 1 more transcripts); c.1241G>A, p.Gly414Asp (NM_001322006.2); c.1079G>A, p.Gly360Asp (NM_001322007.2, NM_001322008.2); c.836G>A, p.Gly279Asp (NM_001322010.2); c.464G>A, p.Gly155Asp (NM_001322011.2, NM_001322012.2); c.824G>A, p.Gly275Asp (NM_001322013.2); c.1397G>A, p.Gly466Asp (NM_001322014.2); c.1088G>A, p.Gly363Asp (NM_001322015.2); short protein forms G279D, G155D, G275D, G414D, G331D, G360D, G363D, G466D.
Identifiers: ClinVar variation 653683 (VCV000653683.8), dbSNP rs1339878885, ClinGen allele CA366742126.

ClinVar aggregate classification (germline): Uncertain significance. Review status: criteria provided, multiple submitters, no conflicts (2 of 4 stars). 3 submissions from 3 submitters: Uncertain significance (3). Last evaluated 2025-07-30.

Conditions:
Hereditary cancer-predisposing syndrome. Also called: Neoplastic Syndromes, Hereditary; Tumor predisposition; Hereditary Cancer Syndrome; Hereditary neoplastic syndrome. Identifiers: Orphanet 140162, MedGen C0027672, MeSH D009386, MONDO:0015356.
Hereditary nonpolyposis colorectal neoplasms. Identifiers: MedGen C0009405, MeSH D003123.

Allele frequency attached by ClinVar (database versions not stated): gnomAD exomes below 0.00001.
gnomAD v4.1: 1 of 1,614,204 alleles (0.000062%); highest among the groups gnomAD compares: Non-Finnish European, 0.000085%; no homozygotes.

Submissions (3):

Labcorp Genetics (formerly Invitae), Labcorp
Classification: Uncertain significance for Hereditary nonpolyposis colorectal neoplasms. Last evaluated: 2025-07-30. Review status: criteria provided, single submitter. Criteria: Invitae Variant Classification Sherloc (09022015). Collection method: clinical testing. Allele origin: germline.
Comment: This sequence change replaces glycine, which is neutral and non-polar, with aspartic acid, which is acidic and polar, at codon 466 of the PMS2 protein (p.Gly466Asp). This variant is not present in population databases (gnomAD no frequency). This variant has not been reported in the literature in individuals affected with PMS2-related conditions. ClinVar contains an entry for this variant (Variation ID: 653683). Invitae Evidence Modeling incorporating data from in vitro experimental studies (internal data) indicates that this missense variant is not expected to disrupt PMS2 function with a negative predictive value of 95%. In summary, the available evidence is currently insufficient to determine the role of this variant in disease. Therefore, it has been classified as a Variant of Uncertain Significance.

Ambry Genetics
Classification: Uncertain significance for Hereditary cancer-predisposing syndrome. Last evaluated: 2024-10-06. Review status: criteria provided, single submitter. Criteria: Ambry Variant Classification Scheme 2023. Collection method: clinical testing. Allele origin: germline.
Comment: The p.G466D variant (also known as c.1397G>A), located in coding exon 11 of the PMS2 gene, results from a G to A substitution at nucleotide position 1397. The glycine at codon 466 is replaced by aspartic acid, an amino acid with similar properties. This amino acid position is conserved. In addition, this alteration is predicted to be tolerated by in silico analysis. Based on the available evidence, the clinical significance of this variant remains unclear.

Color Diagnostics, LLC DBA Color Health
Classification: Uncertain significance for Hereditary cancer-predisposing syndrome. Last evaluated: 2023-12-21. Review status: criteria provided, single submitter. Criteria: ACMG Guidelines, 2015. Collection method: clinical testing. Allele origin: germline.
Comment: This missense variant replaces glycine with aspartic acid at codon 466 of the PMS2 protein. Computational prediction suggests that this variant may not impact protein structure and function (internally defined REVEL score threshold <= 0.5, PMID: 27666373). To our knowledge, functional studies have not been reported for this variant. This variant has not been reported in individuals affected with PMS2-related disorders in the literature. This variant has not been identified in the general population by the Genome Aggregation Database (gnomAD). The available evidence is insufficient to determine the role of this variant in disease conclusively. Therefore, this variant is classified as a Variant of Uncertain Significance.